The following is an entry in ClinVar:

ClinVar aggregate classification (germline): Conflicting classifications of pathogenicity. Review status: criteria provided, conflicting classifications (1 of 4 stars). 3 submissions from 3 submitters: Uncertain significance (2); Likely benign (1). Last evaluated 2023-03-23.

Conditions:
Hereditary cancer-predisposing syndrome. Also called: Neoplastic Syndromes, Hereditary; Tumor predisposition; Hereditary Cancer Syndrome; Hereditary neoplastic syndrome. Identifiers: Orphanet 140162, MedGen C0027672, MeSH D009386, MONDO:0015356.
Hereditary breast ovarian cancer syndrome. Also called: Breast and ovarian cancer; Hereditary breast and ovarian cancer; Hereditary breast and/or ovarian cancer syndrome; BRCA1- and BRCA2-Associated Hereditary Breast and Ovarian Cancer; Hereditary breast and ovarian cancer syndrome; Hereditary breast and ovarian cancer syndrome (HBOC). Identifiers: Orphanet 145, MedGen C0677776, MeSH D061325, MONDO:0003582. Disease mechanism: loss of function.

Submissions (3):

University of Washington Department of Laboratory Medicine, University of Washington
Classification: Likely benign for Hereditary cancer-predisposing syndrome. Last evaluated: 2023-03-23. Review status: criteria provided, single submitter. Criteria: Dines et al. (Genet Med. 2020). Collection method: curation. Allele origin: germline.
Comment: Missense variant in a coldspot region where missense variants are very unlikely to be pathogenic (PMID:31911673).

BRCA2 exon 11 coldspot. Reclassification based on statistical prior probability.

Labcorp Genetics (formerly Invitae), Labcorp
Classification: Uncertain significance for Hereditary breast ovarian cancer syndrome. Last evaluated: 2021-03-02. Review status: criteria provided, single submitter. Criteria: Invitae Variant Classification Sherloc (09022015). Collection method: clinical testing. Allele origin: germline.
Comment: This sequence change replaces glycine with aspartic acid at codon 1370 of the BRCA2 protein (p.Gly1370Asp). The glycine residue is weakly conserved and there is a moderate physicochemical difference between glycine and aspartic acid. This variant is not present in population databases (ExAC no frequency). This variant has not been reported in the literature in individuals with BRCA2-related conditions. ClinVar contains an entry for this variant (Variation ID: 140970). Advanced modeling of protein sequence and biophysical properties (such as structural, functional, and spatial information, amino acid conservation, physicochemical variation, residue mobility, and thermodynamic stability) performed at Invitae indicates that this missense variant is not expected to disrupt BRCA2 protein function. In summary, the available evidence is currently insufficient to determine the role of this variant in disease. Therefore, it has been classified as a Variant of Uncertain Significance.

Ambry Genetics
Classification: Uncertain significance for Hereditary cancer-predisposing syndrome. Last evaluated: 2013-11-06. Review status: criteria provided, single submitter. Criteria: Ambry Autosomal Dominant and X-Linked criteria (10/2015). Collection method: clinical testing. Allele origin: germline. Observed: 1 variant allele.
Comment: Ã¢â‚¬â€¹The p.G1370D variant (also known as c.4109G>A and 4337G>A) is located in coding exon 10 of the BRCA2 gene. This alteration results from a G to A substitution at nucleotide position 4109. The glycine at codon 1370 is replaced by aspartic acid, an amino acid with some similar properties. This variant was not reported in population-based cohorts in the following databases: Database of Single Nucleotide Polymorphisms (dbSNP), NHLBI Exome Sequencing Project (ESP) and 1000 Genomes Project. Based on protein sequence alignment, this amino acid position is poorly conserved in available vertebrate species. In addition, this alteration is predicted to be tolerated by in silico analysis. Since supporting evidence is limited at this time, the clinical significance of p.G1370D remains unclear.

NM_000059.4(BRCA2):c.4109G>A (p.Gly1370Asp)

Gene: BRCA2 (BRCA2 DNA repair associated; plus strand). Cytogenetic location: 13q13.1.
Variant type: single nucleotide variant.
Coding change: c.4109G>A on transcript NM_000059.4 (MANE Select); coding-DNA position 4109, G replaced by A.
Protein change: p.Gly1370Asp; replaces glycine 1370 with aspartic acid.
Molecular consequence: missense variant.
Genome position (GRCh38, 1-based): chr13:32,338,464, G>A. VCF-style: chr13-32338464-G-A. GRCh37 (hg19) VCF-style: chr13-32912601-G-A.
Other names: short protein forms G1370D.
Identifiers: ClinVar variation 140970 (VCV000140970.12), dbSNP rs587781406, ClinGen allele CA019535.